The following is an entry in ClinVar:

NM_000371.4(TTR):c.361G>C (p.Gly121Arg)

Gene: TTR (transthyretin; plus strand). Cytogenetic location: 18q12.1.
Variant type: single nucleotide variant.
Coding change: c.361G>C on transcript NM_000371.4 (MANE Select); coding-DNA position 361, G replaced by C.
Protein change: p.Gly121Arg; replaces glycine 121 with arginine.
Molecular consequence: missense variant.
Genome position (GRCh38, 1-based): chr18:31,598,592, G>C. VCF-style: chr18-31598592-G-C. GRCh37 (hg19) VCF-style: chr18-29178555-G-C.
Other names: short protein forms G121R.
Identifiers: ClinVar variation 1733311 (VCV001733311.7), dbSNP rs755337715, ClinGen allele CA402158167.
Genomic context (GRCh38, chr18:31,598,592, plus strand): 5'-TCTGGTGGAAATGGATCTGTCTGTCTTCTCTCATAGGTGGTATTCACAGCCAACGACTCC[G>C]GCCCCCGCCGCTACACCATTGCCGCCCTGCTGAGCCCCTACTCCTATTCCACCACGGCTG-3'
Protein context (NP_000362.1, residues 111-131): AEVVFTANDS[Gly121Arg]PRRYTIAALL

ClinVar aggregate classification (germline): Uncertain significance. Review status: criteria provided, multiple submitters, no conflicts (2 of 4 stars). 3 submissions from 3 submitters: Uncertain significance (3). Last evaluated 2025-07-16.

Conditions:
Amyloidosis, hereditary systemic 1 (AMYLD1). Also called: AMYLOID CARDIOMYOPATHY; Hereditary oculoleptomeningeal amyloid angiopathy; Familial Transthyretin Amyloidosis; Hereditary Transthyretin Amyloidosis; Familial amyloid polyneuropathy; Transthyretin Amyloidosis. Identifiers: Orphanet 85447, Orphanet 85451, MedGen C2751492, MONDO:0971004, OMIM 105210.
Cardiovascular phenotype. Identifiers: MedGen CN230736.

gnomAD v4.1: 9 of 1,613,860 alleles (0.00056%); highest among the groups gnomAD compares: Non-Finnish European, 0.00076%; no homozygotes.

Submissions (3):

Ambry Genetics
Classification: Uncertain significance for Cardiovascular phenotype. Last evaluated: 2025-07-16. Review status: criteria provided, single submitter. Criteria: Ambry Variant Classification Scheme 2023. Collection method: clinical testing. Allele origin: germline.
Comment: The p.G121R variant (also known as c.361G>C), located in coding exon 4 of the TTR gene, results from a G to C substitution at nucleotide position 361. The glycine at codon 121 is replaced by arginine, an amino acid with dissimilar properties. This amino acid position is highly conserved in available vertebrate species. In addition, this alteration is predicted to be deleterious by in silico analysis. Based on the available evidence, the clinical significance of this variant remains unclear.

Labcorp Genetics (formerly Invitae), Labcorp
Classification: Uncertain significance for Amyloidosis, hereditary systemic 1. Last evaluated: 2025-07-16. Review status: criteria provided, single submitter. Criteria: Invitae Variant Classification Sherloc (09022015). Collection method: clinical testing. Allele origin: germline.
Comment: This sequence change replaces glycine, which is neutral and non-polar, with arginine, which is basic and polar, at codon 121 of the TTR protein (p.Gly121Arg). This variant is not present in population databases (gnomAD no frequency). This variant has not been reported in the literature in individuals affected with TTR-related conditions. ClinVar contains an entry for this variant (Variation ID: 1733311). Invitae Evidence Modeling of protein sequence and biophysical properties (such as structural, functional, and spatial information, amino acid conservation, physicochemical variation, residue mobility, and thermodynamic stability) indicates that this missense variant is expected to disrupt TTR protein function with a positive predictive value of 95%. In summary, the available evidence is currently insufficient to determine the role of this variant in disease. Therefore, it has been classified as a Variant of Uncertain Significance.

Athena Diagnostics
Classification: Uncertain significance. Last evaluated: 2024-10-02. Review status: criteria provided, single submitter. Criteria: Athena Diagnostics Criteria. Collection method: clinical testing. Allele origin: unknown.
Comment: Available data are insufficient to determine the clinical significance of the variant at this time. The frequency of this variant in the general population is uninformative in assessment of its pathogenicity. Polyphen and MutationTaster predict this amino acid change may be damaging to the protein.